The following is an entry in ClinVar:

ClinVar aggregate classification (germline): Pathogenic (1 of 4 stars; one submission).

Submission:

Labcorp Genetics (formerly Invitae), Labcorp
Classification: Pathogenic. Last evaluated: 2023-08-07. Review status: criteria provided, single submitter. Criteria: Invitae Variant Classification Sherloc (09022015). Collection method: clinical testing. Allele origin: germline.
Comment: This sequence change creates a premature translational stop signal (p.Gln33*) in the RIN2 gene. It is expected to result in an absent or disrupted protein product. Loss-of-function variants in RIN2 are known to be pathogenic (PMID: 19631308). This variant is not present in population databases (gnomAD no frequency). This variant has not been reported in the literature in individuals affected with RIN2-related conditions. For these reasons, this variant has been classified as Pathogenic.

Literature cited by the submitters: PubMed 19631308.

NM_018993.4(RIN2):c.97C>T (p.Gln33Ter)

Gene: RIN2 (Ras and Rab interactor 2; plus strand). Cytogenetic location: 20p11.23.
Variant type: single nucleotide variant.
Coding change: c.97C>T on transcript NM_018993.4 (MANE Select); coding-DNA position 97, C replaced by T.
Protein change: p.Gln33Ter; replaces glutamine 33 with a stop codon.
Molecular consequence: nonsense. On other transcripts: 5 prime UTR variant (1).
Genome position (GRCh38, 1-based): chr20:19,935,138, C>T. VCF-style: chr20-19935138-C-T. GRCh37 (hg19) VCF-style: chr20-19915782-C-T.
Other names: c.244C>T, p.Gln82Ter (NM_001242581.2); c.-449C>T (NM_001378238.1); short protein forms Q33*, Q82*.
Identifiers: ClinVar variation 2751044 (VCV002751044.3), dbSNP rs2515220138, ClinGen allele CA408486692.
Genomic context (GRCh38, chr20:19,935,138, plus strand): 5'-ACTATTTTTGTCTTTGAATAGCTCATTGACACAATTGCCTCGGAGATCGGAGAACTGAAA[C>T]AGGAGATGGTGCGGACAGATGTCAACCTGGAAAATGGCCTGGAACCCGCTGAAACCCACA-3'